The following is an entry in ClinVar:

ClinVar aggregate classification (germline): Likely benign (0 of 4 stars; one submission).

Conditions:
ATP13A3-related disorder. Also called: ATP13A3-related condition.

Allele frequency attached by ClinVar (database versions not stated): ExAC 0.00001; gnomAD exomes 0.00001; TOPMed 0.00003.
gnomAD v4.1: 3 of 1,614,042 alleles (0.00019%); highest among the groups gnomAD compares: Admixed American, 0.005%; no homozygotes.

Submission:

PreventionGenetics, part of Exact Sciences
Classification: Likely benign for ATP13A3-related condition. Last evaluated: 2019-02-19. Review status: no assertion criteria provided. Collection method: clinical testing. Allele origin: germline.
Comment: This variant is classified as likely benign based on ACMG/AMP sequence variant interpretation guidelines (Richards et al. 2015 PMID: 25741868, with internal and published modifications).

NM_001367549.1(ATP13A3):c.1086G>A (p.Gly362=)

Gene: ATP13A3 (ATPase 13A3; minus strand). Cytogenetic location: 3q29.
Variant type: single nucleotide variant.
Coding change: c.1086G>A on transcript NM_001367549.1 (MANE Select); coding-DNA position 1086, G replaced by A.
Protein change: p.Gly362=; no amino-acid change (glycine 362 retained).
Molecular consequence: synonymous variant. On other transcripts: non-coding transcript variant (2).
Genome position (GRCh38, 1-based): chr3:194,448,521, C>T on the plus strand (G>A on the coding strand, the complement: ATP13A3 is on the minus strand). VCF-style: chr3-194448521-C-T. GRCh37 (hg19) VCF-style: chr3-194169250-C-T.
Other names: c.1005G>A, p.Gly335= (NM_001374836.1); c.1086G>A, p.Gly362= (NM_024524.4).
Identifiers: ClinVar variation 3058190 (VCV003058190.2), dbSNP rs780775099, ClinGen allele CA2762064.